The following is an entry in ClinVar:

NM_001100913.3(PACS2):c.622T>G (p.Ser208Ala)

Gene: PACS2 (phosphofurin acidic cluster sorting protein 2; plus strand). Cytogenetic location: 14q32.33.
Variant type: single nucleotide variant.
Coding change: c.622T>G on transcript NM_001100913.3 (MANE Select); coding-DNA position 622, T replaced by G.
Protein change: p.Ser208Ala; replaces serine 208 with alanine.
Molecular consequence: missense variant.
Genome position (GRCh38, 1-based): chr14:105,368,109, T>G. VCF-style: chr14-105368109-T-G. GRCh37 (hg19) VCF-style: chr14-105834446-T-G.
Other names: c.421T>G, p.Ser141Ala (NM_001243127.3); c.622T>G, p.Ser208Ala (NM_015197.4); short protein forms S141A, S208A.
Identifiers: ClinVar variation 1709848 (VCV001709848.3), dbSNP rs2544698670, ClinGen allele CA391174480.
Genomic context (GRCh38, chr14:105,368,109, plus strand): 5'-TCCCTTCTGTCTGTTCATTCCGCAGATAACTACTCCGAGGAGGAGTATGAGAGCTTCTCC[T>G]CCGAGCAGGAGGCCAGTGACGACGCCGTGCAGGGGCAGGTGACCTGGGGCCGGGGCTCCG-3'
Protein context (NP_001094383.2, residues 198-218): YSEEEYESFS[Ser208Ala]EQEASDDAVQ

ClinVar aggregate classification (germline): Uncertain significance. Review status: criteria provided, multiple submitters, no conflicts (2 of 4 stars). 2 submissions from 2 submitters: Uncertain significance (2). Last evaluated 2025-11-24.

Conditions:
Developmental and epileptic encephalopathy, 66. Also called: EPILEPTIC ENCEPHALOPATHY, EARLY INFANTILE, 66. Identifiers: MedGen C4748070, MONDO:0054845, OMIM 618067.

Allele frequency attached by ClinVar (database versions not stated): gnomAD exomes below 0.00001.
gnomAD v4.1: 1 of 1,611,842 alleles (0.000062%); highest among the groups gnomAD compares: Non-Finnish European, 0.000085%; no homozygotes.

Submissions (2):

Labcorp Genetics (formerly Invitae), Labcorp
Classification: Uncertain significance. Last evaluated: 2025-11-24. Review status: criteria provided, single submitter. Criteria: Invitae Variant Classification Sherloc (09022015). Collection method: clinical testing. Allele origin: germline.
Comment: This sequence change replaces serine, which is neutral and polar, with alanine, which is neutral and non-polar, at codon 208 of the PACS2 protein (p.Ser208Ala). This variant is not present in population databases (gnomAD no frequency). This variant has not been reported in the literature in individuals affected with PACS2-related conditions. ClinVar contains an entry for this variant (Variation ID: 1709848). An algorithm developed to predict the effect of missense changes on protein structure and function (PolyPhen-2) suggests that this variant is likely to be disruptive. This variant disrupts the p.Ser208 amino acid residue in PACS2. Other variant(s) that disrupt this residue have been determined to be pathogenic (internal data). This suggests that this residue is clinically significant, and that variants that disrupt this residue are likely to be disease-causing. In summary, the available evidence is currently insufficient to determine the role of this variant in disease. Therefore, it has been classified as a Variant of Uncertain Significance.

MGZ Medical Genetics Center
Classification: Uncertain significance for Developmental and epileptic encephalopathy, 66. Last evaluated: 2021-09-01. Review status: criteria provided, single submitter. Criteria: ACMG Guidelines, 2015. Collection method: clinical testing. Allele origin: germline. Affected: yes. Observed: 1 variant allele.
Comment: ACMG criteria applied: PS2, PM2_SUP